The following is an entry in ClinVar:

ClinVar aggregate classification (germline): Likely pathogenic (1 of 4 stars; one submission).

Conditions:
DYRK1A-related intellectual disability syndrome (MRD7). Also called: DYRK1A Syndrome; Intellectual developmental disorder, autosomal dominant 7. Identifiers: Orphanet 464306, MedGen C5568143, MONDO:0013578, OMIM 614104.

Submission:

3billion
Classification: Likely pathogenic for DYRK1A-related intellectual disability syndrome. Last evaluated: 2024-11-01. Review status: criteria provided, single submitter. Criteria: ACMG Guidelines, 2015. Collection method: clinical testing. Allele origin: germline. Affected: yes.
Comment: The variant is not observed in the gnomAD v4.1.0 dataset. Predicted Consequence/Location: Stop-gained (nonsense): predicted to result in a loss or disruption of normal protein function through nonsense-mediated decay (NMD) or protein truncation. Multiple pathogenic variants are reported downstream of the variant. Therefore, this variant is classified as Likely pathogenic according to the recommendation of ACMG/AMP guideline.

NM_001347721.2(DYRK1A):c.408T>A (p.Tyr136Ter)

Gene: DYRK1A (dual specificity tyrosine phosphorylation regulated kinase 1A; plus strand). Cytogenetic location: 21q22.13.
Variant type: single nucleotide variant.
Coding change: c.408T>A on transcript NM_001347721.2 (MANE Select); coding-DNA position 408, T replaced by A.
Protein change: p.Tyr136Ter; replaces tyrosine 136 with a stop codon.
Molecular consequence: nonsense.
Genome position (GRCh38, 1-based): chr21:37,480,745, T>A. VCF-style: chr21-37480745-T-A. GRCh37 (hg19) VCF-style: chr21-38853047-T-A.
Other names: c.408T>A, p.Tyr136Ter (NM_001347722.2, NM_130436.2); c.321T>A, p.Tyr107Ter (NM_001347723.2); c.435T>A, p.Tyr145Ter (NM_001396.5, NM_101395.2, NM_130438.2); short protein forms Y107*, Y136*, Y145*.
Identifiers: ClinVar variation 4292579 (VCV004292579.1).